The following is an entry in ClinVar:

ClinVar aggregate classification (germline): Uncertain significance. Review status: criteria provided, single submitter (1 of 4 stars). 2 submissions from 2 submitters: Uncertain significance (1). 1 of the submissions does not count toward it. Last evaluated 2025-08-27.

Conditions:
Feeding difficulties. Also called: Poor feeding. Identifiers: MedGen C0232466, HP:0011968.
Ventricular septal defect. Identifiers: MedGen C0018818, MONDO:0002070, HP:0001629.
Laryngeal hypoplasia. Identifiers: MedGen C0431527, HP:0008749.
Global developmental delay (DD). Also called: Cognitive delay. Identifiers: MedGen C0557874, HP:0001263. Disease mechanism: loss of function.

Allele frequency attached by ClinVar (database versions not stated): gnomAD exomes below 0.00001; TOPMed below 0.00001.

Submissions (2):

GeneDx
Classification: Uncertain significance. Last evaluated: 2025-08-27. Review status: criteria provided, single submitter. Criteria: GeneDx Variant Classification Process June 2021. Collection method: clinical testing. Allele origin: germline. Affected: yes.
Comment: Reported as a homozygous variant in a proband with developmental delay, feeding problems, laryngeal hypoplasia, and ventricular septal defect; however, this proband also harbored homozygous variants in two other candidate genes. Clinical phenotypes for family members heterozygous for the c.815del variant were not described (PMID: 27435318); Frameshift variant predicted to result in protein truncation or nonsense mediated decay in a gene for which loss of function is a known mechanism of disease; This variant is associated with the following publications: (PMID: 27435318, 33110267)

Lupski Lab, Baylor-Hopkins CMG, Baylor College of Medicine
Classification: Likely pathogenic for Global developmental delay; Laryngeal hypoplasia; Feeding difficulties; Ventricular septal defect. Last evaluated: 2016-01-10. Review status: no assertion criteria provided. Collection method: research. Allele origin: inherited. Inheritance: Autosomal recessive inheritance. Affected: yes. Observed: 1 variant allele, 1 homozygote. Study: The combination of WES, CNV-derived from WES, paralog studies, and GeneMatcher provide potential molecular diagnosis in a cohort from Saudi Arabia. Not counted in ClinVar's aggregate classification.

NM_001012426.2(FOXP4):c.815del (p.Leu272fs)

Gene: FOXP4 (forkhead box P4; plus strand). Cytogenetic location: 6p21.1.
Variant type: Deletion.
Coding change: c.815del on transcript NM_001012426.2 (MANE Select); coding-DNA position 815, one base deleted (T; older notation c.815delT).
Protein change: p.Leu272fs; shifts the reading frame from leucine 272.
Molecular consequence: frameshift variant.
Genome position (GRCh38, 1-based): chr6:41,587,455, T deleted. VCF-style (leftmost placement, unchanged base first): chr6-41587454-CT-C. GRCh37 (hg19) VCF-style: chr6-41555192-CT-C.
Other names: c.809del, p.Leu270fs (NM_001012427.2); c.812del, p.Leu271fs (NM_138457.3); c.815delT (NM_001012426.1); c.815del (NM_001012426.1); short protein forms L270fs, L272fs, L271fs.
Identifiers: ClinVar variation 242887 (VCV000242887.3), dbSNP rs1114167294, ClinGen allele CA645369393.